The following is an entry in ClinVar:

ClinVar aggregate classification (germline): Pathogenic. Review status: criteria provided, multiple submitters, no conflicts (2 of 4 stars). 2 submissions from 2 submitters: Pathogenic (2). Last evaluated 2024-02-03.

Conditions:
Methylmalonic aciduria due to methylmalonyl-CoA mutase deficiency (MAMM). Also called: Methylmalonic aciduria, mut type. Identifiers: Orphanet 27, MedGen C1855114, MONDO:0009612, OMIM 251000.

Submissions (2):

Labcorp Genetics (formerly Invitae), Labcorp
Classification: Pathogenic. Last evaluated: 2024-02-03. Review status: criteria provided, single submitter. Criteria: Invitae Variant Classification Sherloc (09022015). Collection method: clinical testing. Allele origin: germline.
Comment: This sequence change creates a premature translational stop signal (p.Glu414*) in the MUT gene. It is expected to result in an absent or disrupted protein product. Loss-of-function variants in MUT are known to be pathogenic (PMID: 15781192). This variant is not present in population databases (gnomAD no frequency). This premature translational stop signal has been observed in individual(s) with methylmalonic aciduria (PMID: 11350191). ClinVar contains an entry for this variant (Variation ID: 1323284). For these reasons, this variant has been classified as Pathogenic.

Revvity Omics, Revvity
Classification: Pathogenic for Methylmalonic aciduria due to methylmalonyl-CoA mutase deficiency. Last evaluated: 2021-08-18. Review status: criteria provided, single submitter. Criteria: ACMG Guidelines, 2015. Collection method: clinical testing. Allele origin: germline.

Literature cited by the submitters: PubMed 15781192 (cited by Labcorp Genetics (formerly Invitae), Labcorp); PubMed 11350191 (cited by Labcorp Genetics (formerly Invitae), Labcorp).

NM_000255.4(MMUT):c.1240G>T (p.Glu414Ter)

Gene: MMUT (methylmalonyl-CoA mutase; minus strand). Cytogenetic location: 6p12.3.
Variant type: single nucleotide variant.
Coding change: c.1240G>T on transcript NM_000255.4 (MANE Select); coding-DNA position 1240, G replaced by T.
Protein change: p.Glu414Ter; replaces glutamic acid 414 with a stop codon.
Molecular consequence: nonsense.
Genome position (GRCh38, 1-based): chr6:49,451,558, C>A on the plus strand (G>T on the coding strand, the complement: MMUT is on the minus strand). VCF-style: chr6-49451558-C-A. GRCh37 (hg19) VCF-style: chr6-49419271-C-A.
Other names: short protein forms E414*.
Identifiers: ClinVar variation 1323284 (VCV001323284.6), dbSNP rs2127417916, ClinGen allele CA364398817.